The following is an entry in ClinVar:

NM_001308210.2(TSHZ1):c.41-18T>G

Gene: TSHZ1 (teashirt zinc finger homeobox 1; plus strand). Cytogenetic location: 18q22.3.
Variant type: single nucleotide variant.
Coding change: c.41-18T>G on transcript NM_001308210.2 (MANE Select); 18 bases into the intron before coding-DNA position 41, T replaced by G.
Molecular consequence: intron variant.
Genome position (GRCh38, 1-based): chr18:75,285,430, T>G. VCF-style: chr18-75285430-T-G. GRCh37 (hg19) VCF-style: chr18-72997385-T-G.
Other names: c.-95-18T>G (NM_005786.6).
Identifiers: ClinVar variation 4536862 (VCV004536862.1).

ClinVar aggregate classification (germline): Uncertain significance (1 of 4 stars; one submission).

gnomAD v4.1: 1 of 1,439,012 alleles (0.000069%); highest among the groups gnomAD compares: Non-Finnish European, 0.000091%; no homozygotes.

Submission:

Women's Health and Genetics/Laboratory Corporation of America, LabCorp
Classification: Uncertain significance. Last evaluated: 2025-11-11. Review status: criteria provided, single submitter. Criteria: LabCorp Variant Classification Summary - May 2015. Collection method: clinical testing. Allele origin: germline.
Comment: Variant summary: TSHZ1 c.-95-18T>G is located in the untranslated mRNA region upstream of the initiation codon. Consensus agreement among computation tools predict no significant impact on normal splicing. However, these predictions have yet to be confirmed by functional studies. The variant was absent in 83454 control chromosomes. The available data on variant occurrences in the general population are insufficient to allow any conclusion about variant significance. To our knowledge, no occurrence of c.-95-18T>G in individuals affected with TSHZ1-related conditions and no experimental evidence demonstrating its impact on protein function have been reported. No submitters have cited clinical-significance assessments for this variant to ClinVar. Based on the evidence outlined above, the variant was classified as uncertain significance.